The following is an entry in ClinVar:

NM_015040.4(PIKFYVE):c.5397A>G (p.Thr1799=)

Gene: PIKFYVE (phosphoinositide kinase, FYVE-type zinc finger containing; plus strand). Cytogenetic location: 2q34.
Variant type: single nucleotide variant.
Coding change: c.5397A>G on transcript NM_015040.4 (MANE Select); coding-DNA position 5397, A replaced by G.
Protein change: p.Thr1799=; no amino-acid change (threonine 1799 retained).
Molecular consequence: synonymous variant.
Genome position (GRCh38, 1-based): chr2:208,350,046, A>G. VCF-style: chr2-208350046-A-G. GRCh37 (hg19) VCF-style: chr2-209214770-A-G.
Identifiers: ClinVar variation 333932 (VCV000333932.15), dbSNP rs2118297, ClinGen allele CA2080624.
Genomic context (GRCh38, chr2:208,350,046, plus strand): 5'-CAAAACCTTGGCTTTACTAATGATATTAAACCTTTTAGATGAAGTAGATGGAGGAGATAC[A>G]CAAAAGAAGCAACTCATAAATCCTCATGTGGAACTTCGTAAGTATGAGATATTATATCAT-3'
Protein context (NP_055855.2, residues 1789-1809): EPQDEVDGGD[Thr1799=]QKKQLINPHV

ClinVar aggregate classification (germline): Benign. Review status: criteria provided, multiple submitters, no conflicts (2 of 4 stars). 4 submissions from 4 submitters: Benign (4). Last evaluated 2026-02-01.

Conditions:
Fleck corneal dystrophy (CFD). Also called: CORNEAL DYSTROPHY, FRANCOIS-NEETENS SPECKLED OR FLECKED. Identifiers: Orphanet 98970, MedGen C1562113, MONDO:0007376, OMIM 121850.

Allele frequency attached by ClinVar (database versions not stated): 1000 Genomes Project 30x 0.90943; 1000 Genomes Project 0.91114; TOPMed 0.92154; ESP Exome Variant Server 0.92179; gnomAD 0.93088; ExAC 0.95960; gnomAD exomes 0.96439 and 0.97651.
gnomAD v4.1: 1,566,013 of 1,611,464 alleles (97%); highest among the groups gnomAD compares: Non-Finnish European, 98%; 762,413 homozygotes.

Submissions (4):

Labcorp Genetics (formerly Invitae), Labcorp
Classification: Benign. Last evaluated: 2026-02-01. Review status: criteria provided, single submitter. Criteria: Invitae Variant Classification Sherloc (09022015). Collection method: clinical testing. Allele origin: germline.

Genome-Nilou Lab
Classification: Benign for Fleck corneal dystrophy. Last evaluated: 2021-09-05. Review status: criteria provided, single submitter. Criteria: ACMG Guidelines, 2015. Collection method: clinical testing. Allele origin: germline. Affected: no.

Illumina Laboratory Services, Illumina
Classification: Benign for Fleck corneal dystrophy. Last evaluated: 2018-01-13. Review status: criteria provided, single submitter. Criteria: ICSL Variant Classification Criteria 13 December 2019. Collection method: clinical testing. Allele origin: germline.
Comment: This variant was observed in the ICSL laboratory as part of a predisposition screen in an ostensibly healthy population. It had not been previously curated by ICSL or reported in the Human Gene Mutation Database (HGMD: prior to June 1st, 2018), and was therefore a candidate for classification through an automated scoring system. Utilizing variant allele frequency, disease prevalence and penetrance estimates, and inheritance mode, an automated score was calculated to assess if this variant is too frequent to cause the disease. Based on the score and internal cut-off values, a variant classified as benign is not then subjected to further curation. The score for this variant resulted in a classification of benign for this disease.

Breakthrough Genomics
Classification: Benign. Review status: criteria provided, single submitter. Criteria: ACMG Guidelines, 2015. Collection method: not provided. Allele origin: germline. Inheritance: Autosomal dominant inheritance. Affected: yes.